The following is an entry in ClinVar:

ClinVar aggregate classification (germline): Conflicting classifications of pathogenicity. Review status: criteria provided, conflicting classifications (1 of 4 stars). 3 submissions from 3 submitters: Uncertain significance (2); Likely benign (1). Last evaluated 2025-06-29.

Conditions:
Primary ciliary dyskinesia 3. Identifiers: Orphanet 244, MedGen C1837618, MONDO:0012085, OMIM 608644.
Primary ciliary dyskinesia. Also called: Ciliary dyskinesia. Identifiers: Orphanet 244, MedGen C0008780, MONDO:0016575, HP:0012265.

Allele frequency attached by ClinVar (database versions not stated): gnomAD exomes below 0.00001; TOPMed 0.00001; gnomAD 0.00002.
gnomAD v4.1: 4 of 1,552,548 alleles (0.00026%); highest among the groups gnomAD compares: Non-Finnish European, 0.00035%; no homozygotes.

Submissions (3):

Ambry Genetics
Classification: Likely benign for Primary ciliary dyskinesia. Last evaluated: 2025-06-29. Review status: criteria provided, single submitter. Criteria: Ambry Variant Classification Scheme 2023. Collection method: clinical testing. Allele origin: germline.

Clinical Genomics Laboratory, Washington University in St. Louis
Classification: Uncertain significance for Primary ciliary dyskinesia 3. Last evaluated: 2023-08-14. Review status: criteria provided, single submitter. Criteria: ACMG Guidelines, 2015. Collection method: clinical testing. Allele origin: germline.
Comment: The DNAH5 c.7574G>A (p.Gly2525Glu) variant, to our knowledge, has not been reported in the medical literature but has been reported in the ClinVar database as a germline variant of uncertain significance by one submitter. This variant is absent from the general population (gnomAD v.2.1.1), indicating it is not a common variant. The glycine at this position is not conserved across vertebrates, with some mammals having a glutamic acid at this codon and computational predictors suggest that the variant does not impact DNAH5 function. Due to limited information, and based on ACMG/AMP guidelines for variant interpretation (Richards S et al., PMID: 25741868), the clinical significance of this variant is uncertain at this time.

Labcorp Genetics (formerly Invitae), Labcorp
Classification: Uncertain significance for Primary ciliary dyskinesia. Last evaluated: 2021-08-28. Review status: criteria provided, single submitter. Criteria: Invitae Variant Classification Sherloc (09022015). Collection method: clinical testing. Allele origin: germline.
Comment: This sequence change replaces glycine with glutamic acid at codon 2525 of the DNAH5 protein (p.Gly2525Glu). The glycine residue is weakly conserved and there is a moderate physicochemical difference between glycine and glutamic acid. This variant is not present in population databases (ExAC no frequency). This variant has not been reported in the literature in individuals affected with DNAH5-related conditions. Algorithms developed to predict the effect of missense changes on protein structure and function output the following: SIFT: "Tolerated"; PolyPhen-2: "Probably Damaging"; Align-GVGD: "Class C0". The glutamic acid amino acid residue is found in multiple mammalian species, which suggests that this missense change does not adversely affect protein function. In summary, the available evidence is currently insufficient to determine the role of this variant in disease. Therefore, it has been classified as a Variant of Uncertain Significance.

NM_001369.3(DNAH5):c.7574G>A (p.Gly2525Glu)

Gene: DNAH5 (dynein axonemal heavy chain 5; minus strand). Cytogenetic location: 5p15.2.
Variant type: single nucleotide variant.
Coding change: c.7574G>A on transcript NM_001369.3 (MANE Select); coding-DNA position 7574, G replaced by A.
Protein change: p.Gly2525Glu; replaces glycine 2525 with glutamic acid.
Molecular consequence: missense variant.
Genome position (GRCh38, 1-based): chr5:13,810,094, C>T on the plus strand (G>A on the coding strand, the complement: DNAH5 is on the minus strand). VCF-style: chr5-13810094-C-T. GRCh37 (hg19) VCF-style: chr5-13810203-C-T.
Other names: c.7574G>A (NM_001369.2); short protein forms G2525E.
Identifiers: ClinVar variation 1424079 (VCV001424079.7), dbSNP rs1465026258, ClinGen allele CA359231541.